The following is an entry in ClinVar:

ClinVar aggregate classification (germline): Uncertain significance (1 of 4 stars; one submission).

Submission:

Labcorp Genetics (formerly Invitae), Labcorp
Classification: Uncertain significance. Last evaluated: 2025-01-07. Review status: criteria provided, single submitter. Criteria: Invitae Variant Classification Sherloc (09022015). Collection method: clinical testing. Allele origin: germline.
Comment: This sequence change replaces glycine, which is neutral and non-polar, with valine, which is neutral and non-polar, at codon 84 of the POLR3A protein (p.Gly84Val). This variant is not present in population databases (gnomAD no frequency). This variant has not been reported in the literature in individuals affected with POLR3A-related conditions. Invitae Evidence Modeling of protein sequence and biophysical properties (such as structural, functional, and spatial information, amino acid conservation, physicochemical variation, residue mobility, and thermodynamic stability) indicates that this missense variant is expected to disrupt POLR3A protein function with a positive predictive value of 80%. In summary, the available evidence is currently insufficient to determine the role of this variant in disease. Therefore, it has been classified as a Variant of Uncertain Significance.

NM_007055.4(POLR3A):c.251G>T (p.Gly84Val)

Genes: POLR3A (RNA polymerase III subunit A; minus strand), LOC126860971 (CDK7 strongly-dependent group 2 enhancer GRCh37_chr10:79784551-79785750; plus strand). Cytogenetic location: 10q22.3.
Variant type: single nucleotide variant.
Coding change: c.251G>T on transcript NM_007055.4 (MANE Select); coding-DNA position 251, G replaced by T.
Protein change: p.Gly84Val; replaces glycine 84 with valine.
Molecular consequence: missense variant.
Genome position (GRCh38, 1-based): chr10:78,025,689, C>A on the plus strand (G>T on the coding strand, the complement: POLR3A is on the minus strand). VCF-style: chr10-78025689-C-A. GRCh37 (hg19) VCF-style: chr10-79785447-C-A.
Other names: short protein forms G84V.
Identifiers: ClinVar variation 3715023 (VCV003715023.2).